The following is an entry in ClinVar:

NM_016580.4(PCDH12):c.1996C>T (p.Leu666Phe)

Genes: PCDH12 (protocadherin 12; minus strand), RNF14 (ring finger protein 14; plus strand). Cytogenetic location: 5q31.3.
Variant type: single nucleotide variant.
Coding change: c.1996C>T on transcript NM_016580.4 (MANE Select); coding-DNA position 1996, C replaced by T.
Protein change: p.Leu666Phe; replaces leucine 666 with phenylalanine.
Molecular consequence: missense variant.
Genome position (GRCh38, 1-based): chr5:141,955,856, G>A on the plus strand (C>T on the coding strand, the complement: PCDH12 is on the minus strand). VCF-style: chr5-141955856-G-A. GRCh37 (hg19) VCF-style: chr5-141335421-G-A.
Other names: c.1996C>T (NM_016580.2); short protein forms L666F.
Identifiers: ClinVar variation 2148545 (VCV002148545.3), dbSNP rs747993960, ClinGen allele CA3484310.

ClinVar aggregate classification (germline): Uncertain significance. Review status: criteria provided, multiple submitters, no conflicts (2 of 4 stars). 2 submissions from 2 submitters: Uncertain significance (2). Last evaluated 2025-10-02.

Conditions:
Inborn genetic diseases. Identifiers: MedGen C0950123, MeSH D030342.

Allele frequency attached by ClinVar (database versions not stated): ExAC 0.00001; gnomAD 0.00001; gnomAD exomes 0.00001; TOPMed 0.00001.
gnomAD v4.1: 13 of 1,614,024 alleles (0.00081%); highest among the groups gnomAD compares: Admixed American, 0.0083%; no homozygotes.

Submissions (2):

Ambry Genetics
Classification: Uncertain significance for Inborn genetic diseases. Last evaluated: 2025-10-02. Review status: criteria provided, single submitter. Criteria: Ambry Variant Classification Scheme 2023. Collection method: clinical testing. Allele origin: germline.

Labcorp Genetics (formerly Invitae), Labcorp
Classification: Uncertain significance. Last evaluated: 2023-09-13. Review status: criteria provided, single submitter. Criteria: Invitae Variant Classification Sherloc (09022015). Collection method: clinical testing. Allele origin: germline.
Comment: This sequence change replaces leucine, which is neutral and non-polar, with phenylalanine, which is neutral and non-polar, at codon 666 of the PCDH12 protein (p.Leu666Phe). This variant is present in population databases (rs747993960, gnomAD 0.009%). This variant has not been reported in the literature in individuals affected with PCDH12-related conditions. ClinVar contains an entry for this variant (Variation ID: 2148545). Advanced modeling of protein sequence and biophysical properties (such as structural, functional, and spatial information, amino acid conservation, physicochemical variation, residue mobility, and thermodynamic stability) performed at Invitae indicates that this missense variant is not expected to disrupt PCDH12 protein function. In summary, the available evidence is currently insufficient to determine the role of this variant in disease. Therefore, it has been classified as a Variant of Uncertain Significance.